The following is an entry in ClinVar:

NM_175614.5(NDUFA11):c.362C>T (p.Ala121Val)

Gene: NDUFA11 (NADH:ubiquinone oxidoreductase subunit A11; minus strand). Cytogenetic location: 19p13.3.
Variant type: single nucleotide variant.
Coding change: c.362C>T on transcript NM_175614.5 (MANE Select); coding-DNA position 362, C replaced by T.
Protein change: p.Ala121Val; replaces alanine 121 with valine.
Molecular consequence: missense variant. On other transcripts: non-coding transcript variant (1), intron variant (1).
Genome position (GRCh38, 1-based): chr19:5,894,806, G>A on the plus strand (C>T on the coding strand, the complement: NDUFA11 is on the minus strand). VCF-style: chr19-5894806-G-A. GRCh37 (hg19) VCF-style: chr19-5894817-G-A.
Other names: c.314-1516C>T (NM_001193375.3); short protein forms A121V.
Identifiers: ClinVar variation 1029292 (VCV001029292.1), dbSNP rs989204591, ClinGen allele CA304692762.

ClinVar aggregate classification (germline): Uncertain significance (1 of 4 stars; one submission).

Conditions:
Mitochondrial complex I deficiency, nuclear type 14. Also called: Mitochondrial complex 1 deficiency, nuclear type 14. Identifiers: MedGen C4748777, MONDO:0032619, OMIM 618236.

Allele frequency attached by ClinVar (database versions not stated): gnomAD exomes below 0.00001; gnomAD 0.00001; TOPMed 0.00001.
gnomAD v4.1: 7 of 1,613,356 alleles (0.00043%); highest among the groups gnomAD compares: Admixed American, 0.0017%; no homozygotes.

Submission:

Baylor Genetics
Classification: Uncertain significance for Mitochondrial complex I deficiency, nuclear type 14. Last evaluated: 2019-09-13. Review status: criteria provided, single submitter. Criteria: ACMG Guidelines, 2015. Collection method: clinical testing. Allele origin: unknown. Affected: yes.
Comment: This variant was determined to be of uncertain significance according to ACMG Guidelines, 2015 [PMID:25741868].